The following is an entry in ClinVar:

ClinVar aggregate classification (germline): Uncertain significance. Review status: criteria provided, multiple submitters, no conflicts (2 of 4 stars). 5 submissions from 3 submitters: Uncertain significance (4). 1 of the submissions does not count toward it. Last evaluated 2024-08-20.

Conditions:
DE SANCTIS-CACCHIONE SYNDROME. Identifiers: MedGen C0265201, MONDO:0010217, OMIM 278800.
Cerebrooculofacioskeletal syndrome 1 (COFS1). Also called: Cerebro-oculo-facio-skeletal syndrome 1. Identifiers: MedGen C0220722, MONDO:0008955, OMIM 214150.
Cockayne syndrome type 2 (CSB). Also called: Cockayne Syndrome, Type II; COCKAYNE SYNDROME B. Identifiers: Orphanet 191, Orphanet 90322, MedGen C0751038, MONDO:0019570, OMIM 133540.
Age related macular degeneration 5. Identifiers: MedGen C3151063, MONDO:0013409, OMIM 613761.

Allele frequency attached by ClinVar (database versions not stated): gnomAD exomes below 0.00001 and 0.00001; ExAC 0.00001.
gnomAD v4.1: 12 of 1,614,030 alleles (0.00074%); highest among the groups gnomAD compares: East Asian, 0.018%; no homozygotes.

Submissions (5):

Women's Health and Genetics/Laboratory Corporation of America, LabCorp
Classification: Uncertain significance. Last evaluated: 2024-08-20. Review status: criteria provided, single submitter. Criteria: LabCorp Variant Classification Summary - May 2015. Collection method: clinical testing. Allele origin: germline.
Comment: Variant summary: ERCC6 c.2974C>G (p.Gln992Glu) results in a conservative amino acid change located in the Helicase, C-terminal domain-like (IPR001650) of the encoded protein sequence. Three of five in-silico tools predict a damaging effect of the variant on protein function. The variant allele was found at a frequency of 4e-06 in 251092 control chromosomes. The available data on variant occurrences in the general population are insufficient to allow any conclusion about variant significance. To our knowledge, no occurrence of c.2974C>G in individuals affected with Cerebrooculofacioskeletal Syndrome 1 and no experimental evidence demonstrating its impact on protein function have been reported. ClinVar contains an entry for this variant (Variation ID: 300056). Based on the evidence outlined above, the variant was classified as uncertain significance.

Illumina Laboratory Services, Illumina
Classification: Uncertain significance for Cerebrooculofacioskeletal syndrome 1. Last evaluated: 2018-01-12. Review status: criteria provided, single submitter. Criteria: ICSL Variant Classification Criteria 13 December 2019. Collection method: clinical testing. Allele origin: germline.

Illumina Laboratory Services, Illumina
Classification: Uncertain significance for Age related macular degeneration 5. Last evaluated: 2018-01-12. Review status: criteria provided, single submitter. Criteria: ICSL Variant Classification Criteria 13 December 2019. Collection method: clinical testing. Allele origin: germline.

Illumina Laboratory Services, Illumina
Classification: Uncertain significance for Cockayne syndrome type 2. Last evaluated: 2018-01-12. Review status: criteria provided, single submitter. Criteria: ICSL Variant Classification Criteria 13 December 2019. Collection method: clinical testing. Allele origin: germline.

Counsyl
Classification: Uncertain significance for Cockayne syndrome type 2; Cerebrooculofacioskeletal syndrome 1; DE SANCTIS-CACCHIONE SYNDROME. Last evaluated: 2017-05-17. Review status: no assertion criteria provided. Collection method: clinical testing. Allele origin: unknown. Not counted in ClinVar's aggregate classification.

NM_000124.4(ERCC6):c.2974C>G (p.Gln992Glu)

Gene: ERCC6 (ERCC excision repair 6, chromatin remodeling factor; minus strand). Cytogenetic location: 10q11.23.
Variant type: single nucleotide variant.
Coding change: c.2974C>G on transcript NM_000124.4 (MANE Select); coding-DNA position 2974, C replaced by G.
Protein change: p.Gln992Glu; replaces glutamine 992 with glutamic acid.
Molecular consequence: missense variant.
Genome position (GRCh38, 1-based): chr10:49,471,071, G>C on the plus strand (C>G on the coding strand, the complement: ERCC6 is on the minus strand). VCF-style: chr10-49471071-G-C. GRCh37 (hg19) VCF-style: chr10-50679117-G-C.
Other names: c.2974C>G, p.Gln992Glu (NM_001346440.2); short protein forms Q992E.
Identifiers: ClinVar variation 300056 (VCV000300056.7), dbSNP rs772104945, ClinGen allele CA5495459.